The following is an entry in ClinVar:

ClinVar aggregate classification (germline): Likely benign (1 of 4 stars; one submission).

gnomAD v4.1: 14 of 1,614,096 alleles (0.00087%); highest among the groups gnomAD compares: African/African-American, 0.0027%; no homozygotes.

Submission:

CeGaT Center for Human Genetics Tuebingen
Classification: Likely benign. Last evaluated: 2026-08-01. Review status: criteria provided, single submitter. Criteria: CeGaT Center For Human Genetics Tuebingen Variant Classification Criteria Version 2. Collection method: clinical testing. Allele origin: germline. Affected: yes. Observed: 1 variant allele.
Comment: ZNF462: BS2

NM_021224.6(ZNF462):c.3502C>T (p.Arg1168Trp)

Gene: ZNF462 (zinc finger protein 462; plus strand). Cytogenetic location: 9q31.2.
Variant type: single nucleotide variant.
Coding change: c.3502C>T on transcript NM_021224.6 (MANE Select); coding-DNA position 3502, C replaced by T.
Protein change: p.Arg1168Trp; replaces arginine 1168 with tryptophan.
Molecular consequence: missense variant. On other transcripts: intron variant (1).
Genome position (GRCh38, 1-based): chr9:106,927,414, C>T. VCF-style: chr9-106927414-C-T. GRCh37 (hg19) VCF-style: chr9-109689695-C-T.
Other names: c.3252+250C>T (NM_001347997.2); short protein forms R1168W.
Identifiers: ClinVar variation 5039409 (VCV005039409.1).
Genomic context (GRCh38, chr9:106,927,414, plus strand): 5'-AGACAGGCTCCTCCCACAGCTGCAATGATGAGAGGGGTCGAAGGGCCCCAAGGCTCCCCC[C>T]GGCCACCCGCCCCCATACAACAGCTGAACCGAAGCAGCTCTGAGAGAGATGGCCCTCCTG-3'
Protein context (NP_067047.4, residues 1158-1178): RGVEGPQGSP[Arg1168Trp]PPAPIQQLNR